The following is an entry in ClinVar:

NM_198999.3(SLC26A5):c.1241G>A (p.Gly414Asp)

Gene: SLC26A5 (solute carrier family 26 member 5; minus strand). Cytogenetic location: 7q22.1.
Variant type: single nucleotide variant.
Coding change: c.1241G>A on transcript NM_198999.3 (MANE Select); coding-DNA position 1241, G replaced by A.
Protein change: p.Gly414Asp; replaces glycine 414 with aspartic acid.
Molecular consequence: missense variant. On other transcripts: non-coding transcript variant (4), intron variant (1).
Genome position (GRCh38, 1-based): chr7:103,390,499, C>T on the plus strand (G>A on the coding strand, the complement: SLC26A5 is on the minus strand). VCF-style: chr7-103390499-C-T. GRCh37 (hg19) VCF-style: chr7-103030946-C-T.
Other names: c.1241G>A, p.Gly414Asp (NM_001167962.2, NM_001321787.2, NM_206883.3 and 1 more transcripts); c.971+7433G>A (NM_206885.3); short protein forms G414D.
Identifiers: ClinVar variation 4741095 (VCV004741095.1).

ClinVar aggregate classification (germline): Uncertain significance (1 of 4 stars; one submission).

Submission:

Labcorp Genetics (formerly Invitae), Labcorp
Classification: Uncertain significance. Last evaluated: 2025-09-13. Review status: criteria provided, single submitter. Criteria: Invitae Variant Classification Sherloc (09022015). Collection method: clinical testing. Allele origin: germline.
Comment: This sequence change replaces glycine, which is neutral and non-polar, with aspartic acid, which is acidic and polar, at codon 414 of the SLC26A5 protein (p.Gly414Asp). This variant is not present in population databases (gnomAD no frequency). This variant has not been reported in the literature in individuals affected with SLC26A5-related conditions. Invitae Evidence Modeling of protein sequence and biophysical properties (such as structural, functional, and spatial information, amino acid conservation, physicochemical variation, residue mobility, and thermodynamic stability) indicates that this missense variant is expected to disrupt SLC26A5 protein function with a positive predictive value of 80%. In summary, the available evidence is currently insufficient to determine the role of this variant in disease. Therefore, it has been classified as a Variant of Uncertain Significance.